The following is an entry in ClinVar:

NM_001292063.2(OTOG):c.4571G>A (p.Gly1524Asp)

Gene: OTOG (otogelin; plus strand). Cytogenetic location: 11p15.1.
Variant type: single nucleotide variant.
Coding change: c.4571G>A on transcript NM_001292063.2 (MANE Select); coding-DNA position 4571, G replaced by A.
Protein change: p.Gly1524Asp; replaces glycine 1524 with aspartic acid.
Molecular consequence: missense variant.
Genome position (GRCh38, 1-based): chr11:17,609,871, G>A. VCF-style: chr11-17609871-G-A. GRCh37 (hg19) VCF-style: chr11-17631418-G-A.
Other names: c.4607G>A, p.Gly1536Asp (NM_001277269.2); short protein forms G1524D, G1536D.
Identifiers: ClinVar variation 2579900 (VCV002579900.1), dbSNP rs2497530373, ClinGen allele CA379795830.

ClinVar aggregate classification (germline): Uncertain significance (1 of 4 stars; one submission).

Submission:

GeneDx
Classification: Uncertain significance. Last evaluated: 2023-03-17. Review status: criteria provided, single submitter. Criteria: GeneDx Variant Classification Process June 2021. Collection method: clinical testing. Allele origin: germline. Affected: yes.
Comment: Not observed at significant frequency in large population cohorts (gnomAD); In silico analysis supports that this missense variant does not alter protein structure/function; Has not been previously published as pathogenic or benign to our knowledge